The following is an entry in ClinVar:

ClinVar aggregate classification (germline): Uncertain significance (1 of 4 stars; one submission).

gnomAD v4.1: 1 of 1,611,748 alleles (0.000062%); highest among the groups gnomAD compares: Admixed American, 0.0017%; no homozygotes.

Submission:

Labcorp Genetics (formerly Invitae), Labcorp
Classification: Uncertain significance. Last evaluated: 2022-12-01. Review status: criteria provided, single submitter. Criteria: Invitae Variant Classification Sherloc (09022015). Collection method: clinical testing. Allele origin: germline.
Comment: This variant is not present in population databases (gnomAD no frequency). In summary, the available evidence is currently insufficient to determine the role of this variant in disease. Therefore, it has been classified as a Variant of Uncertain Significance. Advanced modeling of protein sequence and biophysical properties (such as structural, functional, and spatial information, amino acid conservation, physicochemical variation, residue mobility, and thermodynamic stability) performed at Invitae indicates that this missense variant is not expected to disrupt RHOBTB2 protein function. This variant has not been reported in the literature in individuals affected with RHOBTB2-related conditions. This sequence change replaces arginine, which is basic and polar, with glycine, which is neutral and non-polar, at codon 358 of the RHOBTB2 protein (p.Arg358Gly).

NM_015178.3(RHOBTB2):c.1006C>G (p.Arg336Gly)

Gene: RHOBTB2 (Rho related BTB domain containing 2; plus strand). Cytogenetic location: 8p21.3.
Variant type: single nucleotide variant.
Coding change: c.1006C>G on transcript NM_015178.3 (MANE Select); coding-DNA position 1006, C replaced by G.
Protein change: p.Arg336Gly; replaces arginine 336 with glycine.
Molecular consequence: missense variant.
Genome position (GRCh38, 1-based): chr8:23,007,251, C>G. VCF-style: chr8-23007251-C-G. GRCh37 (hg19) VCF-style: chr8-22864764-C-G.
Other names: c.1072C>G, p.Arg358Gly (NM_001160036.2); c.1027C>G, p.Arg343Gly (NM_001160037.2); c.1006C>G, p.Arg336Gly (NM_001374791.1); short protein forms R343G, R358G, R336G.
Identifiers: ClinVar variation 2817757 (VCV002817757.3), dbSNP rs772023790, ClinGen allele CA370567094.
Genomic context (GRCh38, chr8:23,007,251, plus strand): 5'-CCAGAGGACCACCAGGGCCACTCTGATCAACACCACCACCATCACCACCACCACCATGGG[C>G]GAGACTTCCTGCTCCGAGCAGCCAGCTTTGACGTGTGCGAGAGCGTGGATGAGGCTGGGG-3'
Protein context (NP_055993.2, residues 326-346): HHHHHHHHHG[Arg336Gly]DFLLRAASFD